The following is an entry in ClinVar:

ClinVar aggregate classification (germline): Benign/Likely benign. Review status: criteria provided, multiple submitters, no conflicts (2 of 4 stars). 6 submissions from 6 submitters: Benign (4); Likely benign (2). Last evaluated 2026-02-01.

Conditions:
Primary ciliary dyskinesia 13. Also called: CILIARY DYSKINESIA, PRIMARY, 13, WITH OR WITHOUT SITUS INVERSUS. Identifiers: Orphanet 244, MedGen C2750790, MONDO:0013174, OMIM 613193.
Primary ciliary dyskinesia. Also called: Ciliary dyskinesia. Identifiers: Orphanet 244, MedGen C0008780, MONDO:0016575, HP:0012265.

Allele frequency attached by ClinVar (database versions not stated): gnomAD exomes 0.00178; ExAC 0.00223; gnomAD 0.00606 and 0.00642; ESP Exome Variant Server 0.00623; TOPMed 0.00689; 1000 Genomes Project 30x 0.00734; 1000 Genomes Project 0.00739.
gnomAD v4.1: 2,464 of 1,614,010 alleles (0.15%); highest among the groups gnomAD compares: African/African-American, 2.1%; 20 homozygotes.

Submissions (6):

Labcorp Genetics (formerly Invitae), Labcorp
Classification: Benign for Primary ciliary dyskinesia. Last evaluated: 2026-02-01. Review status: criteria provided, single submitter. Criteria: Invitae Variant Classification Sherloc (09022015). Collection method: clinical testing. Allele origin: germline.

ARUP Laboratories, Molecular Genetics and Genomics, ARUP Laboratories
Classification: Benign for Primary ciliary dyskinesia 13. Last evaluated: 2024-10-18. Review status: criteria provided, single submitter. Criteria: ARUP Molecular Germline Variant Investigation Process 2024. Collection method: clinical testing. Allele origin: germline.

Illumina Laboratory Services, Illumina
Classification: Likely benign for Primary ciliary dyskinesia 13. Last evaluated: 2017-04-27. Review status: criteria provided, single submitter. Criteria: ICSL Variant Classification Criteria 13 December 2019. Collection method: clinical testing. Allele origin: germline.
Comment: This variant was observed as part of a predisposition screen in an ostensibly healthy population. A literature search was performed for the gene, cDNA change, and amino acid change (where applicable). No publications were found based on this search. Allele frequency data from public databases allowed determination this variant is unlikely to cause disease. Therefore, this variant is classified as likely benign.

Ambry Genetics
Classification: Benign for Primary ciliary dyskinesia. Last evaluated: 2015-01-23. Review status: criteria provided, single submitter. Criteria: Ambry Variant Classification Scheme 2023. Collection method: clinical testing. Allele origin: germline.

Breakthrough Genomics
Classification: Likely benign. Review status: criteria provided, single submitter. Criteria: ACMG Guidelines, 2015. Collection method: not provided. Allele origin: germline. Inheritance: Autosomal recessive inheritance. Affected: yes.

PreventionGenetics, part of Exact Sciences
Classification: Benign. Review status: criteria provided, single submitter. Criteria: ACMG Guidelines, 2015. Collection method: clinical testing. Allele origin: germline.

NM_178452.6(DNAAF1):c.736G>A (p.Asp246Asn)

Gene: DNAAF1 (dynein axonemal assembly factor 1; plus strand). Cytogenetic location: 16q24.1.
Variant type: single nucleotide variant.
Coding change: c.736G>A on transcript NM_178452.6 (MANE Select); coding-DNA position 736, G replaced by A.
Protein change: p.Asp246Asn; replaces aspartic acid 246 with asparagine.
Molecular consequence: missense variant.
Genome position (GRCh38, 1-based): chr16:84,155,744, G>A. VCF-style: chr16-84155744-G-A. GRCh37 (hg19) VCF-style: chr16-84189349-G-A.
Other names: short protein forms D246N.
Identifiers: ClinVar variation 262958 (VCV000262958.22), dbSNP rs151099638, ClinGen allele CA8202586.